The following is an entry in ClinVar:

ClinVar aggregate classification (germline): Uncertain significance (1 of 4 stars; one submission).

Allele frequency attached by ClinVar (database versions not stated): gnomAD 0.00001.
gnomAD v4.1: 14 of 1,613,268 alleles (0.00087%); highest among the groups gnomAD compares: African/African-American, 0.0027%; no homozygotes.

Submission:

Labcorp Genetics (formerly Invitae), Labcorp
Classification: Uncertain significance. Last evaluated: 2022-03-27. Review status: criteria provided, single submitter. Criteria: Invitae Variant Classification Sherloc (09022015). Collection method: clinical testing. Allele origin: germline.
Comment: This sequence change falls in intron 9 of the COL18A1 gene. It does not directly change the encoded amino acid sequence of the COL18A1 protein. This variant is not present in population databases (gnomAD no frequency). This variant has not been reported in the literature in individuals affected with COL18A1-related conditions. Algorithms developed to predict the effect of sequence changes on RNA splicing suggest that this variant may create or strengthen a splice site. In summary, the available evidence is currently insufficient to determine the role of this variant in disease. Therefore, it has been classified as a Variant of Uncertain Significance.

NM_001379500.1(COL18A1):c.1249-16G>A

Gene: COL18A1 (collagen type XVIII alpha 1 chain; plus strand). Cytogenetic location: 21q22.3.
Variant type: single nucleotide variant.
Coding change: c.1249-16G>A on transcript NM_001379500.1 (MANE Select); 16 bases into the intron before coding-DNA position 1249, G replaced by A.
Molecular consequence: intron variant.
Genome position (GRCh38, 1-based): chr21:45,479,886, G>A. VCF-style: chr21-45479886-G-A. GRCh37 (hg19) VCF-style: chr21-46899800-G-A.
Other names: c.2494-16G>A (NM_130444.3); c.1789-16G>A (NM_030582.4).
Identifiers: ClinVar variation 2066590 (VCV002066590.1), dbSNP rs1398302137, ClinGen allele CA749762909.